The following is an entry in ClinVar:

NM_003873.7(NRP1):c.1924+17G>A

Gene: NRP1 (neuropilin 1; minus strand). Cytogenetic location: 10p11.22.
Variant type: single nucleotide variant.
Coding change: c.1924+17G>A on transcript NM_003873.7 (MANE Select); 17 bases into the intron after coding-DNA position 1924, G replaced by A.
Molecular consequence: intron variant. On other transcripts: 3 prime UTR variant (2).
Genome position (GRCh38, 1-based): chr10:33,197,633, C>T on the plus strand (G>A on the coding strand, the complement: NRP1 is on the minus strand). VCF-style: chr10-33197633-C-T. GRCh37 (hg19) VCF-style: chr10-33486561-C-T.
Other names: c.*6G>A (NM_001024628.3, NM_001024629.3); c.1903+17G>A (NM_001244973.2, NM_001244972.2); c.1924+17G>A (NM_001330068.2).
Identifiers: ClinVar variation 4977315 (VCV004977315.1).

ClinVar aggregate classification (germline): Likely benign (1 of 4 stars; one submission).

Conditions:
NRP1-related disorder. Also called: NRP1-related condition.

Submission:

PreventionGenetics, part of Exact Sciences
Classification: Likely benign for NRP1-related condition. Last evaluated: 2025-02-08. Review status: criteria provided, single submitter. Criteria: ACMG Guidelines, 2015. Collection method: clinical testing. Allele origin: germline.
Comment: This variant is classified as likely benign based on ACMG/AMP sequence variant interpretation guidelines (Richards et al. 2015 PMID: 25741868, with internal and published modifications).